The following is an entry in ClinVar:

ClinVar aggregate classification (germline): Benign (1 of 4 stars; one submission).

Allele frequency attached by ClinVar (database versions not stated): gnomAD exomes 0.16933; TOPMed 0.17919; gnomAD 0.18524; 1000 Genomes Project 30x 0.21096; 1000 Genomes Project 0.21226.
gnomAD v4.1: 31,773 of 172,348 alleles (18%); highest among the groups gnomAD compares: Middle Eastern, 32%; 3,133 homozygotes.

Submission:

Unidad de Genómica Garrahan, Hospital de Pediatría Garrahan
Classification: Benign. Last evaluated: 2024-01-24. Review status: criteria provided, single submitter. Criteria: ACMG Guidelines, 2015. Collection method: clinical testing. Allele origin: germline. Affected: no. Observed: 19 variant alleles.
Comment: This variant is classified as Benign based on local population frequency. This variant was detected in 20% of patients studied by a panel of primary immunodeficiencies. Number of patients: 19. Only high quality variants are reported.

NM_152468.5(TMC8):c.1128-624T>C

Gene: TMC8 (transmembrane channel like 8; plus strand). Cytogenetic location: 17q25.3.
Variant type: single nucleotide variant.
Coding change: c.1128-624T>C on transcript NM_152468.5 (MANE Select); 624 bases into the intron before coding-DNA position 1128, T replaced by C.
Molecular consequence: intron variant.
Genome position (GRCh38, 1-based): chr17:78,136,611, T>C. VCF-style: chr17-78136611-T-C. GRCh37 (hg19) VCF-style: chr17-76132692-T-C.
Identifiers: ClinVar variation 2688349 (VCV002688349.2), dbSNP rs8068430, ClinGen allele CA14412279.